The following is an entry in ClinVar:

ClinVar aggregate classification (germline): Conflicting classifications of pathogenicity. Review status: criteria provided, conflicting classifications (1 of 4 stars). 2 submissions from 2 submitters: Uncertain significance (1); Likely benign (1). Last evaluated 2024-02-23.

Conditions:
Hereditary cancer-predisposing syndrome. Also called: Tumor predisposition; Hereditary Cancer Syndrome; Hereditary neoplastic syndrome; Neoplastic Syndromes, Hereditary. Identifiers: Orphanet 140162, MedGen C0027672, MeSH D009386, MONDO:0015356.
Hereditary nonpolyposis colorectal neoplasms. Identifiers: MedGen C0009405, MeSH D003123.

Submissions (2):

Labcorp Genetics (formerly Invitae), Labcorp
Classification: Uncertain significance for Hereditary nonpolyposis colorectal neoplasms. Last evaluated: 2024-02-23. Review status: criteria provided, single submitter. Criteria: Invitae Variant Classification Sherloc (09022015). Collection method: clinical testing. Allele origin: germline.
Comment: This sequence change replaces aspartic acid, which is acidic and polar, with glutamic acid, which is acidic and polar, at codon 401 of the PMS2 protein (p.Asp401Glu). This variant is not present in population databases (gnomAD no frequency). This variant has not been reported in the literature in individuals affected with PMS2-related conditions. ClinVar contains an entry for this variant (Variation ID: 1470620). Advanced modeling of protein sequence and biophysical properties (such as structural, functional, and spatial information, amino acid conservation, physicochemical variation, residue mobility, and thermodynamic stability) performed at Invitae indicates that this missense variant is not expected to disrupt PMS2 protein function with a negative predictive value of 80%. In summary, the available evidence is currently insufficient to determine the role of this variant in disease. Therefore, it has been classified as a Variant of Uncertain Significance.

Ambry Genetics
Classification: Likely benign for Hereditary cancer-predisposing syndrome. Last evaluated: 2023-11-18. Review status: criteria provided, single submitter. Criteria: Ambry Variant Classification Scheme 2023. Collection method: clinical testing. Allele origin: germline.

NM_000535.7(PMS2):c.1203T>A (p.Asp401Glu)

Gene: PMS2 (PMS1 homolog 2, mismatch repair system component; minus strand). Cytogenetic location: 7p22.1.
Variant type: single nucleotide variant.
Coding change: c.1203T>A on transcript NM_000535.7 (MANE Select); coding-DNA position 1203, T replaced by A.
Protein change: p.Asp401Glu; replaces aspartic acid 401 with glutamic acid.
Molecular consequence: missense variant. On other transcripts: non-coding transcript variant (1).
Genome position (GRCh38, 1-based): chr7:5,987,562, A>T on the plus strand (T>A on the coding strand, the complement: PMS2 is on the minus strand). VCF-style: chr7-5987562-A-T. GRCh37 (hg19) VCF-style: chr7-6027193-A-T.
Other names: c.798T>A, p.Asp266Glu (NM_001322003.2, NM_001322004.2, NM_001322005.2 and 1 more transcripts); c.1047T>A, p.Asp349Glu (NM_001322006.2); c.885T>A, p.Asp295Glu (NM_001322007.2, NM_001322008.2); c.642T>A, p.Asp214Glu (NM_001322010.2); c.270T>A, p.Asp90Glu (NM_001322011.2, NM_001322012.2); c.630T>A, p.Asp210Glu (NM_001322013.2); c.1203T>A, p.Asp401Glu (NM_001322014.2); c.894T>A, p.Asp298Glu (NM_001322015.2); short protein forms D298E, D349E, D210E, D401E, D266E, D295E, D90E, D214E.
Identifiers: ClinVar variation 1470620 (VCV001470620.8), dbSNP rs1057522327, ClinGen allele CA366742573.